The following is an entry in ClinVar:

ClinVar aggregate classification (germline): Likely pathogenic (1 of 4 stars; one submission).

Conditions:
Hereditary pancreatitis (PCTT). Also called: Hereditary chronic pancreatitis; PRSS1-Related Hereditary Pancreatitis. Identifiers: Orphanet 676, MedGen C0238339, MONDO:0008185, OMIM 167800.

Allele frequency attached by ClinVar (database versions not stated): gnomAD exomes below 0.00001.

Submission:

ARUP Laboratories, Molecular Genetics and Genomics, ARUP Laboratories
Classification: Likely pathogenic for Hereditary pancreatitis. Last evaluated: 2022-07-12. Review status: criteria provided, single submitter. Criteria: ARUP Molecular Germline Variant Investigation Process 2021. Collection method: clinical testing. Allele origin: germline.
Comment: The CTRC c.464G>A; p.Cys155Tyr variant is reported in the literature in individuals with pancreatitis (Beer 2013, Masson 2008). Functional analysis of the variant showed an absence of the variant protein and activity levels were not detectable (Beer 2013). This variant is absent from the Genome Aggregation Database, indicating it is not a common polymorphism. The cysteine at codon 155 is highly conserved and interacts with a cysteine at codon 222 to form one of five sulfide bonds in the mature peptide (Masson 2008). Computational analyses predict that the p.Cys155Tyr variant is deleterious (REVEL: 0.964). Based on available information, this variant is considered to be likely pathogenic. References: Beer S et al. Comprehensive functional analysis of chymotrypsin C (CTRC) variants reveals distinct loss-of-function mechanisms associated with pancreatitis risk. Gut. 2013 Nov;62(11):1616-24. PMID: 22942235. Masson E et al. Association of rare chymotrypsinogen C (CTRC) gene variations in patients with idiopathic chronic pancreatitis. Hum Genet. 2008 Feb;123(1):83-91. PMID: 18172691.

NM_007272.3(CTRC):c.464G>A (p.Cys155Tyr)

Gene: CTRC (chymotrypsin C; plus strand). Cytogenetic location: 1p36.21.
Variant type: single nucleotide variant.
Coding change: c.464G>A on transcript NM_007272.3 (MANE Select); coding-DNA position 464, G replaced by A.
Protein change: p.Cys155Tyr; replaces cysteine 155 with tyrosine.
Molecular consequence: missense variant.
Genome position (GRCh38, 1-based): chr1:15,443,526, G>A. VCF-style: chr1-15443526-G-A. GRCh37 (hg19) VCF-style: chr1-15770021-G-A.
Other names: short protein forms C155Y.
Identifiers: ClinVar variation 2428696 (VCV002428696.3), dbSNP rs2526297384, ClinGen allele CA338566249.
Genomic context (GRCh38, chr1:15,443,526, plus strand): 5'-ACACCATCCAGGTGGCCTGCCTGCCAGAGAAGGACTCCCTGCTCCCCAAGGACTACCCCT[G>A]CTATGTCACCGGCTGGGGCCGCCTCTGGAGTGAGTATCGTCCCTGGCAAATCCTGAGAGC-3'
Protein context (NP_009203.2, residues 145-165): KDSLLPKDYP[Cys155Tyr]YVTGWGRLWT